The following is an entry in ClinVar:

NM_001164508.2(NEB):c.18149A>C (p.Gln6050Pro)

Gene: NEB (nebulin; minus strand). Cytogenetic location: 2q23.3.
Variant type: single nucleotide variant.
Coding change: c.18149A>C on transcript NM_001164508.2 (MANE Select); coding-DNA position 18149, A replaced by C.
Protein change: p.Gln6050Pro; replaces glutamine 6050 with proline.
Molecular consequence: missense variant.
Genome position (GRCh38, 1-based): chr2:151,567,175, T>G on the plus strand (A>C on the coding strand, the complement: NEB is on the minus strand). VCF-style: chr2-151567175-T-G. GRCh37 (hg19) VCF-style: chr2-152423689-T-G.
Other names: c.18149A>C, p.Gln6050Pro (NM_001271208.2, NM_001164507.2); c.13046A>C, p.Gln4349Pro (NM_004543.5); short protein forms Q4349P, Q6050P.
Identifiers: ClinVar variation 1959441 (VCV001959441.2), dbSNP rs2096444835, ClinGen allele CA348802758.

ClinVar aggregate classification (germline): Uncertain significance (1 of 4 stars; one submission).

Conditions:
Nemaline myopathy 2 (NEM2). Also called: Nemaline myopathy 2, autosomal recessive. Identifiers: MedGen C1850569, MONDO:0009725, OMIM 256030.

gnomAD v4.1: 17 of 1,599,382 alleles (0.0011%); highest among the groups gnomAD compares: Non-Finnish European, 0.0014%; no homozygotes.

Submission:

Labcorp Genetics (formerly Invitae), Labcorp
Classification: Uncertain significance for Nemaline myopathy 2. Last evaluated: 2021-08-23. Review status: criteria provided, single submitter. Criteria: Invitae Variant Classification Sherloc (09022015). Collection method: clinical testing. Allele origin: germline.
Comment: This sequence change replaces glutamine with proline at codon 6050 of the NEB protein (p.Gln6050Pro). The glutamine residue is moderately conserved and there is a moderate physicochemical difference between glutamine and proline. This variant is not present in population databases (ExAC no frequency). This variant has not been reported in the literature in individuals affected with NEB-related conditions. Algorithms developed to predict the effect of missense changes on protein structure and function are either unavailable or do not agree on the potential impact of this missense change (SIFT: "Deleterious"; PolyPhen-2: "Not Available"; Align-GVGD: "Class C0"). In summary, the available evidence is currently insufficient to determine the role of this variant in disease. Therefore, it has been classified as a Variant of Uncertain Significance.